The following is an entry in ClinVar:

NM_000051.4(ATM):c.497-2482A>G

Gene: ATM (ATM serine/threonine kinase; plus strand). Cytogenetic location: 11q22.3.
Variant type: single nucleotide variant.
Coding change: c.497-2482A>G on transcript NM_000051.4 (MANE Select); 2482 bases into the intron before coding-DNA position 497, A replaced by G.
Molecular consequence: intron variant.
Genome position (GRCh38, 1-based): chr11:108,241,471, A>G. VCF-style: chr11-108241471-A-G. GRCh37 (hg19) VCF-style: chr11-108112198-A-G.
Other names: c.497-2482A>G (NM_001351834.2).
Identifiers: ClinVar variation 1684074 (VCV001684074.2), dbSNP rs78813088, ClinGen allele CA228382064.

ClinVar aggregate classification (germline): Likely benign (1 of 4 stars; one submission).

Allele frequency attached by ClinVar (database versions not stated): 1000 Genomes Project 0.00499; 1000 Genomes Project 30x 0.00515; gnomAD 0.00523 and 0.00569; TOPMed 0.00579.
gnomAD v4.1: 789 of 152,222 alleles (0.52%); highest among the groups gnomAD compares: African/African-American, 1.8%; 8 homozygotes.

Submission:

GeneDx
Classification: Likely benign. Last evaluated: 2021-11-16. Review status: criteria provided, single submitter. Criteria: GeneDx Variant Classification Process June 2021. Collection method: clinical testing. Allele origin: germline. Affected: yes.
Comment: See Variant Classification Assertion Criteria.